The following is an entry in ClinVar:

ClinVar aggregate classification (germline): Conflicting classifications of pathogenicity. Review status: criteria provided, conflicting classifications (1 of 4 stars). 2 submissions from 2 submitters: Uncertain significance (1); Likely benign (1). Last evaluated 2025-12-15.

Conditions:
Inborn genetic diseases. Identifiers: MedGen C0950123, MeSH D030342.
Renal carnitine transport defect (CDSP). Also called: Carnitine transporter deficiency; Carnitine Deficiency, Systemic; CARNITINE DEFICIENCY, SYSTEMIC, DUE TO DEFECT IN RENAL REABSORPTION OF CARNITINE; CARNITINE TRANSPORTER, PLASMA-MEMBRANE, DEFICIENCY OF; CARNITINE UPTAKE DEFECT; Systemic primary carnitine deficiency disease. Identifiers: Orphanet 158, MedGen C0342788, MONDO:0008919, OMIM 212140.

Allele frequency attached by ClinVar (database versions not stated): gnomAD 0.00001; gnomAD exomes 0.00001 and 0.00002; TOPMed 0.00001; ExAC 0.00002.
gnomAD v4.1: 20 of 1,612,672 alleles (0.0012%); highest among the groups gnomAD compares: South Asian, 0.012%; 1 homozygote.

Submissions (2):

Ambry Genetics
Classification: Likely benign for Inborn genetic diseases. Last evaluated: 2025-12-15. Review status: criteria provided, single submitter. Criteria: Ambry Variant Classification Scheme 2023. Collection method: clinical testing. Allele origin: germline.

Labcorp Genetics (formerly Invitae), Labcorp
Classification: Uncertain significance for Renal carnitine transport defect. Last evaluated: 2022-07-19. Review status: criteria provided, single submitter. Criteria: Invitae Variant Classification Sherloc (09022015). Collection method: clinical testing. Allele origin: germline.
Comment: This sequence change replaces isoleucine, which is neutral and non-polar, with valine, which is neutral and non-polar, at codon 551 of the SLC22A5 protein (p.Ile551Val). This variant is present in population databases (rs745329092, gnomAD 0.02%). This variant has not been reported in the literature in individuals affected with SLC22A5-related conditions. ClinVar contains an entry for this variant (Variation ID: 1488869). Advanced modeling of protein sequence and biophysical properties (such as structural, functional, and spatial information, amino acid conservation, physicochemical variation, residue mobility, and thermodynamic stability) performed at Invitae indicates that this missense variant is not expected to disrupt SLC22A5 protein function. In summary, the available evidence is currently insufficient to determine the role of this variant in disease. Therefore, it has been classified as a Variant of Uncertain Significance.

NM_003060.4(SLC22A5):c.1651A>G (p.Ile551Val)

Gene: SLC22A5 (solute carrier family 22 member 5; plus strand). Cytogenetic location: 5q31.1.
Variant type: single nucleotide variant.
Coding change: c.1651A>G on transcript NM_003060.4 (MANE Select); coding-DNA position 1651, A replaced by G.
Protein change: p.Ile551Val; replaces isoleucine 551 with valine.
Molecular consequence: missense variant.
Genome position (GRCh38, 1-based): chr5:132,394,249, A>G. VCF-style: chr5-132394249-A-G. GRCh37 (hg19) VCF-style: chr5-131729941-A-G.
Other names: c.1723A>G, p.Ile575Val (NM_001308122.2); c.1651A>G (NM_003060.3); short protein forms I551V, I575V.
Identifiers: ClinVar variation 1488869 (VCV001488869.6), dbSNP rs745329092, ClinGen allele CA3404226.